The following is an entry in ClinVar:

NC_000016.10:g.56872351del

Gene: SLC12A3 (solute carrier family 12 member 3; plus strand). Cytogenetic location: 16q13.
Variant type: Deletion.
Genome position: GRCh38 VCF-style: chr16-56872349-AG-A. GRCh37 (hg19) VCF-style: chr16-56906261-AG-A.
Identifiers: ClinVar variation 1999811 (VCV001999811.5), dbSNP rs2543487329, ClinGen allele CA2580091689.
Genomic context (GRCh38, chr16:56,872,349, plus strand): 5'-CGGGGCTTCCCAGAGAGGTAGAACAAAACTATCTGACCTCTGGGGTCCTTCGCCCCCTCC[AG>A]GCCCAGGTGCTGTTCTTCCTTGTCATCATGGTCTCCTTTGCCAACTATTTAGTGGGGACG-3'

ClinVar aggregate classification (germline): Pathogenic (1 of 4 stars; one submission).

Submission:

Labcorp Genetics (formerly Invitae), Labcorp
Classification: Pathogenic. Last evaluated: 2022-05-28. Review status: criteria provided, single submitter. Criteria: Invitae Variant Classification Sherloc (09022015). Collection method: clinical testing. Allele origin: germline.
Comment: This variant has not been reported in the literature in individuals affected with SLC12A3-related conditions. Algorithms developed to predict the effect of sequence changes on RNA splicing suggest that this variant may disrupt the consensus splice site. For these reasons, this variant has been classified as Pathogenic. This variant is not present in population databases (gnomAD no frequency). This sequence change creates a premature translational stop signal (p.Ala285Profs*17) in the SLC12A3 gene. It is expected to result in an absent or disrupted protein product. Loss-of-function variants in SLC12A3 are known to be pathogenic (PMID: 20848653, 22009145, 25841442).

Literature cited by the submitters: PubMed 20848653; PubMed 22009145; PubMed 25841442.